The following is an entry in ClinVar:

ClinVar aggregate classification (germline): Uncertain significance (1 of 4 stars; one submission).

Conditions:
Ullrich congenital muscular dystrophy 2 (UCMD2). Identifiers: Orphanet 75840, MedGen C4225314, MONDO:0014654, OMIM 616470.
Bethlem myopathy 2 (BTHLM2). Identifiers: Orphanet 536516, Orphanet 610, MedGen C4225313, MONDO:0034022, OMIM 616471.

Submission:

Labcorp Genetics (formerly Invitae), Labcorp
Classification: Uncertain significance for Bethlem myopathy 2; Ullrich congenital muscular dystrophy 2. Last evaluated: 2023-12-17. Review status: criteria provided, single submitter. Criteria: Invitae Variant Classification Sherloc (09022015). Collection method: clinical testing. Allele origin: germline.
Comment: This sequence change falls in intron 32 of the COL12A1 gene. It does not directly change the encoded amino acid sequence of the COL12A1 protein. This variant is not present in population databases (gnomAD no frequency). This variant has not been reported in the literature in individuals affected with COL12A1-related conditions. Algorithms developed to predict the effect of sequence changes on RNA splicing suggest that this variant may disrupt the consensus splice site. In summary, the available evidence is currently insufficient to determine the role of this variant in disease. Therefore, it has been classified as a Variant of Uncertain Significance.

NM_004370.6(COL12A1):c.5525-6T>A

Gene: COL12A1 (collagen type XII alpha 1 chain; minus strand). Cytogenetic location: 6q13.
Variant type: single nucleotide variant.
Coding change: c.5525-6T>A on transcript NM_004370.6 (MANE Select); 6 bases into the intron before coding-DNA position 5525, T replaced by A.
Molecular consequence: intron variant.
Genome position (GRCh38, 1-based): chr6:75,134,003, A>T on the plus strand (T>A on the coding strand, the complement: COL12A1 is on the minus strand). VCF-style: chr6-75134003-A-T. GRCh37 (hg19) VCF-style: chr6-75843719-A-T.
Other names: c.5252-6T>A (NM_001424115.1); c.5504-6T>A (NM_001424114.1); c.5525-6T>A (NM_001424113.1); c.2033-6T>A (NM_001424116.1, NM_080645.3).
Identifiers: ClinVar variation 2921512 (VCV002921512.3), dbSNP rs2533289414, ClinGen allele CA2740091436.